The following is an entry in ClinVar:

NM_001134831.2(AHI1):c.1735G>A (p.Glu579Lys)

Gene: AHI1 (Abelson helper integration site 1; minus strand). Cytogenetic location: 6q23.3.
Variant type: single nucleotide variant.
Coding change: c.1735G>A on transcript NM_001134831.2 (MANE Select); coding-DNA position 1735, G replaced by A.
Protein change: p.Glu579Lys; replaces glutamic acid 579 with lysine.
Molecular consequence: missense variant.
Genome position (GRCh38, 1-based): chr6:135,447,052, C>T on the plus strand (G>A on the coding strand, the complement: AHI1 is on the minus strand). VCF-style: chr6-135447052-C-T. GRCh37 (hg19) VCF-style: chr6-135768190-C-T.
Other names: c.1735G>A, p.Glu579Lys (NM_001134830.2, NM_001134832.2, NM_001350503.2 and 2 more transcripts); short protein forms E579K.
Identifiers: ClinVar variation 1410940 (VCV001410940.8), dbSNP rs1787353725, ClinGen allele CA365744802.
Genomic context (GRCh38, chr6:135,447,052, plus strand): 5'-TTATCAAACACTTCACCTGCCCAGGGAGTCGTTTCCACTTTATTACTTCCTTTGACTCTT[C>T]TAATCCAGGTTCTGTGTCTACTGAGCTTGACTCATGGTGACGTTCACAATGCACTGGTTT-3'
Protein context (NP_001128303.1, residues 569-589): SSSVDTEPGL[Glu579Lys]ESKEVIKWKR

ClinVar aggregate classification (germline): Uncertain significance (1 of 4 stars; one submission).

Conditions:
Joubert syndrome. Also called: CEREBELLOPARENCHYMAL DISORDER IV; JOUBERT-BOLTSHAUSER SYNDROME; Familial aplasia of the vermis. Identifiers: Orphanet 475, MedGen C5979921, MONDO:0018772.

Submission:

Labcorp Genetics (formerly Invitae), Labcorp
Classification: Uncertain significance for Joubert syndrome. Last evaluated: 2020-12-26. Review status: criteria provided, single submitter. Criteria: Invitae Variant Classification Sherloc (09022015). Collection method: clinical testing. Allele origin: germline.
Comment: In summary, the available evidence is currently insufficient to determine the role of this variant in disease. Therefore, it has been classified as a Variant of Uncertain Significance. This sequence change replaces glutamic acid with lysine at codon 579 of the AHI1 protein (p.Glu579Lys). The glutamic acid residue is moderately conserved and there is a small physicochemical difference between glutamic acid and lysine. This variant is not present in population databases (ExAC no frequency). This variant has not been reported in the literature in individuals with AHI1-related conditions. Advanced modeling of protein sequence and biophysical properties (such as structural, functional, and spatial information, amino acid conservation, physicochemical variation, residue mobility, and thermodynamic stability) performed at Invitae indicates that this missense variant is not expected to disrupt AHI1 protein function.